The following is an entry in ClinVar:

NM_000094.4(COL7A1):c.6516A>G (p.Pro2172=)

Gene: COL7A1 (collagen type VII alpha 1 chain; minus strand). Cytogenetic location: 3p21.31.
Variant type: single nucleotide variant.
Coding change: c.6516A>G on transcript NM_000094.4 (MANE Select); coding-DNA position 6516, A replaced by G.
Protein change: p.Pro2172=; no amino-acid change (proline 2172 retained).
Molecular consequence: synonymous variant.
Genome position (GRCh38, 1-based): chr3:48,573,876, T>C on the plus strand (A>G on the coding strand, the complement: COL7A1 is on the minus strand). VCF-style: chr3-48573876-T-C. GRCh37 (hg19) VCF-style: chr3-48611309-T-C.
Identifiers: ClinVar variation 763949 (VCV000763949.11), dbSNP rs1401423123, ClinGen allele CA433537387.
Genomic context (GRCh38, chr3:48,573,876, plus strand): 5'-GGATGGGGGCAAGACAGGTGAAGGTTCTTGGGTACTCACCACTGGGCCAGGGGGGCCTCT[T>C]GGACCCTGCAGACCCTACATAGAGAGGGCACTGATGAGCCTCAATCTGGGCCTCACTTGG-3'
Protein context (NP_000085.1, residues 2162-2182): GPEGKPGLQG[Pro2172=]RGPPGPVGGH

ClinVar aggregate classification (germline): Likely benign. Review status: criteria provided, single submitter (1 of 4 stars). 2 submissions from 2 submitters: Likely benign (1). 1 of the submissions does not count toward it. Last evaluated 2026-01-19.

Conditions:
COL7A1-related disorder. Also called: COL7A1-related condition; COL7A1- related disorders.

Allele frequency attached by ClinVar (database versions not stated): gnomAD exomes 0.00002 and 0.00005; gnomAD 0.00003; TOPMed 0.00003.
gnomAD v4.1: 82 of 1,613,646 alleles (0.0051%); highest among the groups gnomAD compares: Non-Finnish European, 0.0063%; no homozygotes.

Submissions (2):

Labcorp Genetics (formerly Invitae), Labcorp
Classification: Likely benign. Last evaluated: 2026-01-19. Review status: criteria provided, single submitter. Criteria: Invitae Variant Classification Sherloc (09022015). Collection method: clinical testing. Allele origin: germline.

PreventionGenetics, part of Exact Sciences
Classification: Likely benign for COL7A1-related condition. Last evaluated: 2024-01-02. Review status: no assertion criteria provided. Collection method: clinical testing. Allele origin: germline. Not counted in ClinVar's aggregate classification.
Comment: This variant is classified as likely benign based on ACMG/AMP sequence variant interpretation guidelines (Richards et al. 2015 PMID: 25741868, with internal and published modifications).